The following is an entry in ClinVar:

NM_001199397.3(NEK1):c.1438C>T (p.Leu480=)

Gene: NEK1 (NIMA related kinase 1; minus strand). Cytogenetic location: 4q33.
Variant type: single nucleotide variant.
Coding change: c.1438C>T on transcript NM_001199397.3 (MANE Select); coding-DNA position 1438, C replaced by T.
Protein change: p.Leu480=; no amino-acid change (leucine 480 retained).
Molecular consequence: synonymous variant. On other transcripts: non-coding transcript variant (1), intron variant (3).
Genome position (GRCh38, 1-based): chr4:169,555,844, G>A on the plus strand (C>T on the coding strand, the complement: NEK1 is on the minus strand). VCF-style: chr4-169555844-G-A. GRCh37 (hg19) VCF-style: chr4-170476995-G-A.
Other names: c.1438C>T, p.Leu480= (NM_001374418.1, NM_001374419.1, NM_012224.4); c.1387C>T, p.Leu463= (NM_001374420.1); c.1312C>T, p.Leu438= (NM_001374421.1); c.1355+88C>T (NM_001199399.3); c.1430+88C>T (NM_001199398.3, NM_001199400.3).
Identifiers: ClinVar variation 2655179 (VCV002655179.24), dbSNP rs2546762851, ClinGen allele CA442532763.

ClinVar aggregate classification (germline): Likely benign (1 of 4 stars; one submission).

Submission:

CeGaT Center for Human Genetics Tuebingen
Classification: Likely benign. Last evaluated: 2023-02-01. Review status: criteria provided, single submitter. Criteria: CeGaT Center For Human Genetics Tuebingen Variant Classification Criteria Version 2. Collection method: clinical testing. Allele origin: germline. Affected: yes. Observed: 1 variant allele.
Comment: NEK1: PM2:Supporting, BP4, BP7